The following is an entry in ClinVar:

ClinVar aggregate classification (germline): Uncertain significance (1 of 4 stars; one submission).

Allele frequency attached by ClinVar (database versions not stated): gnomAD exomes 0.00002; ExAC 0.00003.
gnomAD v4.1: 8 of 1,614,198 alleles (0.0005%); highest among the groups gnomAD compares: South Asian, 0.0088%; no homozygotes.

Submission:

Labcorp Genetics (formerly Invitae), Labcorp
Classification: Uncertain significance. Last evaluated: 2024-02-17. Review status: criteria provided, single submitter. Criteria: Invitae Variant Classification Sherloc (09022015). Collection method: clinical testing. Allele origin: germline.
Comment: This sequence change replaces aspartic acid, which is acidic and polar, with glutamic acid, which is acidic and polar, at codon 483 of the PDZD7 protein (p.Asp483Glu). This variant is present in population databases (rs778296630, gnomAD 0.02%). This variant has not been reported in the literature in individuals affected with PDZD7-related conditions. Advanced modeling of protein sequence and biophysical properties (such as structural, functional, and spatial information, amino acid conservation, physicochemical variation, residue mobility, and thermodynamic stability) performed at Invitae indicates that this missense variant is not expected to disrupt PDZD7 protein function with a negative predictive value of 80%. In summary, the available evidence is currently insufficient to determine the role of this variant in disease. Therefore, it has been classified as a Variant of Uncertain Significance.

NM_001195263.2(PDZD7):c.1449C>A (p.Asp483Glu)

Gene: PDZD7 (PDZ domain containing 7; minus strand). Cytogenetic location: 10q24.31.
Variant type: single nucleotide variant.
Coding change: c.1449C>A on transcript NM_001195263.2 (MANE Select); coding-DNA position 1449, C replaced by A.
Protein change: p.Asp483Glu; replaces aspartic acid 483 with glutamic acid.
Molecular consequence: missense variant. On other transcripts: synonymous variant (1).
Genome position (GRCh38, 1-based): chr10:101,018,172, G>T on the plus strand (C>A on the coding strand, the complement: PDZD7 is on the minus strand). VCF-style: chr10-101018172-G-T. GRCh37 (hg19) VCF-style: chr10-102777929-G-T.
Other names: c.1477C>A, p.Arg493= (NM_001351044.2); c.1449C>A, p.Asp483Glu (NM_024895.5); short protein forms D483E.
Identifiers: ClinVar variation 1443472 (VCV001443472.6), dbSNP rs778296630, ClinGen allele CA5654087.